The following is an entry in ClinVar:

NM_004984.4(KIF5A):c.2987A>G (p.Asp996Gly)

Gene: KIF5A (kinesin family member 5A; plus strand). Cytogenetic location: 12q13.3.
Variant type: single nucleotide variant.
Coding change: c.2987A>G on transcript NM_004984.4 (MANE Select); coding-DNA position 2987, A replaced by G.
Protein change: p.Asp996Gly; replaces aspartic acid 996 with glycine.
Molecular consequence: missense variant.
Genome position (GRCh38, 1-based): chr12:57,581,947, A>G. VCF-style: chr12-57581947-A-G. GRCh37 (hg19) VCF-style: chr12-57975730-A-G.
Other names: chr12-57581947-A-G; p.Asp996Gly; c.2720A>G, p.Asp907Gly (NM_001354705.2); short protein forms D907G, D996G.
Identifiers: ClinVar variation 1299492 (VCV001299492.1), dbSNP rs2140172189, ClinGen allele CA385516821.

ClinVar aggregate classification (germline): Likely pathogenic (1 of 4 stars; one submission).

Conditions:
Charcot-Marie-Tooth disease type 2. Also called: Charcot-Marie-Tooth type 2. Identifiers: Orphanet 64746, MedGen C0270914, MONDO:0018993.

Submission:

Laboratório de Neurologia Aplicada e Experimental, Faculdade de Medicina de Ribeirao Preto – Universidade de Sao Paulo
Classification: Likely pathogenic for Charcot-Marie-Tooth disease type 2. Last evaluated: 2021-07-20. Review status: criteria provided, single submitter. Criteria: ACMG Guidelines, 2015. Collection method: research. Allele origin: germline. Inheritance: Autosomal dominant inheritance. Affected: yes. Observed: 1 variant allele, 1 heterozygote.
Comment: The c.2987A>G (p.Asp996Gly) variant in the KIF5A gene has not been described in the literature to our knowledge. This variant is not present in the population database (GnomAD and ABraOM), suggesting it is not a common benign variant in these populations. This variant replaces aspartic acid with glycine at codon 996 of the KIF5A protein, which is highly conserved across different species. This variant is an important functional domain of the protein (Globular domain) that interacts with BICD2 (PMID: 20386726). Variants in this gene are responsible for several phenotypes including, spastic paraplegia 10 (AD-HSP 10; OMIM: 604187), AD-ALS25 (OMIM: 617921), and AD-CMT2 with or without the presence of pyramidal signals (PMID: 25008398; PMID: 29892902). In summary, the p.Asp996Gly meets our criteria to be classified as likely pathogenic.

Literature cited by the submitters: PubMed 20386726; PubMed 25008398; PubMed 29892902.